The following is an entry in ClinVar:

NM_005045.4(RELN):c.1688T>G (p.Val563Gly)

Gene: RELN (reelin; minus strand). Cytogenetic location: 7q22.1.
Variant type: single nucleotide variant.
Coding change: c.1688T>G on transcript NM_005045.4 (MANE Select); coding-DNA position 1688, T replaced by G.
Protein change: p.Val563Gly; replaces valine 563 with glycine.
Molecular consequence: missense variant.
Genome position (GRCh38, 1-based): chr7:103,652,626, A>C on the plus strand (T>G on the coding strand, the complement: RELN is on the minus strand). VCF-style: chr7-103652626-A-C. GRCh37 (hg19) VCF-style: chr7-103293073-A-C.
Other names: c.1688T>G, p.Val563Gly (NM_173054.3); short protein forms V563G.
Identifiers: ClinVar variation 1488368 (VCV001488368.8), dbSNP rs1832944514, ClinGen allele CA368765543.

ClinVar aggregate classification (germline): Uncertain significance (1 of 4 stars; one submission).

Conditions:
Norman-Roberts syndrome (LIS2). Also called: Lissencephaly 2 (Norman-Roberts type). Identifiers: Orphanet 89844, MedGen C0796089, MONDO:0009760, OMIM 257320.
Familial temporal lobe epilepsy 7. Identifiers: Orphanet 101046, MedGen C4225327, MONDO:0014639, OMIM 616436.

Allele frequency attached by ClinVar (database versions not stated): TOPMed below 0.00001; gnomAD 0.00001.
gnomAD v4.1: 2 of 1,612,860 alleles (0.00012%); highest among the groups gnomAD compares: Non-Finnish European, 0.00017%; no homozygotes.

Submission:

Labcorp Genetics (formerly Invitae), Labcorp
Classification: Uncertain significance for Familial temporal lobe epilepsy 7; Norman-Roberts syndrome. Last evaluated: 2023-12-09. Review status: criteria provided, single submitter. Criteria: Invitae Variant Classification Sherloc (09022015). Collection method: clinical testing. Allele origin: germline.
Comment: This sequence change replaces valine, which is neutral and non-polar, with glycine, which is neutral and non-polar, at codon 563 of the RELN protein (p.Val563Gly). This variant is not present in population databases (gnomAD no frequency). This variant has not been reported in the literature in individuals affected with RELN-related conditions. ClinVar contains an entry for this variant (Variation ID: 1488368). Advanced modeling of protein sequence and biophysical properties (such as structural, functional, and spatial information, amino acid conservation, physicochemical variation, residue mobility, and thermodynamic stability) performed at Invitae indicates that this missense variant is not expected to disrupt RELN protein function with a negative predictive value of 80%. In summary, the available evidence is currently insufficient to determine the role of this variant in disease. Therefore, it has been classified as a Variant of Uncertain Significance.